The following is an entry in ClinVar:

ClinVar aggregate classification (germline): Pathogenic (1 of 4 stars; one submission).

Conditions:
Ataxia-telangiectasia syndrome (AT). Also called: Ataxia-telangiectasia, complementation group D; AT, COMPLEMENTATION GROUP C; ATAXIA-TELANGIECTASIA, COMPLEMENTATION GROUP A; ATAXIA-TELANGIECTASIA, FRESNO VARIANT; Ataxia-telangiectasia; Ataxia-telangiectasia, complementation group E. Identifiers: Orphanet 100, MedGen C0004135, MONDO:0008840, OMIM 208900.

Submission:

Labcorp Genetics (formerly Invitae), Labcorp
Classification: Pathogenic for Ataxia-telangiectasia syndrome. Last evaluated: 2025-07-31. Review status: criteria provided, single submitter. Criteria: Invitae Variant Classification Sherloc (09022015). Collection method: clinical testing. Allele origin: germline.
Comment: This sequence change inserts a large fragment of DNA, likely a transposable element, in exon 41 of the ATM gene (c.6017_6018ins?), causing a frameshift at codon 2006 (p.Leu2006fs). The exact size and sequence of the insertion cannot be determined by the current assay. However, the insertion is expected to result in an absent or disrupted protein product. This variant is not present in population databases (gnomAD no frequency). This variant has not been reported in the literature in individuals affected with ATM-related conditions. Retrotransposon insertions including LINE1 (L1), Alu, and SVA (SINE-VNTR-Alu) have been reported to be disease-causing through disruption of either a coding region or splice site (PMID: 19763152, 20307669, 22406018) and loss-of-function variants in ATM are known to be pathogenic (PMID: 23807571, 25614872). For these reasons, this variant has been classified as Pathogenic.

Literature cited by the submitters: PubMed 19763152; PubMed 20307669; PubMed 22406018; PubMed 23807571; PubMed 25614872.

NC_000011.10:g.108315833_108315834insTTTTTTTTTTTTTTTTTTTTNNNNNNNNNNCAGCTCCCACTCCCTGATGAGAGGTGTTTCCTGTGGACTGGCCCCTTCCATAGGACGTGAGCCACCGCGCCCAGCCAGGATCTTCTCTT

Genes: ATM (ATM serine/threonine kinase; plus strand), C11orf65 (chromosome 11 open reading frame 65; minus strand). Cytogenetic location: 11q22.3.
Variant type: Insertion.
Molecular consequence: intron variant (on NM_001330368.2).
Genome position: GRCh38: chr11:108,315,833-108,315,834. GRCh37 (hg19): chr11:108,186,560-108,186,561.
Other names: c.641-6749_641-6748insAAGAGAAGATCCTGGCTGGGCGCGGTGGCTCACGTCCTATGGAAGGGGCCAGTCCACAGGAAACACCTCTCATCAGGGAGTGGGAGCTGNNNNNNNNNNAAAAAAAAAAAAAAAAAAAA (NM_001330368.2); c.*39-6749_*39-6748insAAGAGAAGATCCTGGCTGGGCGCGGTGGCTCACGTCCTATGGAAGGGGCCAGTCCACAGGAAACACCTCTCATCAGGGAGTGGGAGCTGNNNNNNNNNNAAAAAAAAAAAAAAAAAAAA (NM_001351110.2).
Identifiers: ClinVar variation 4724441 (VCV004724441.1).